The following is an entry in ClinVar:

NC_000017.11:g.(?_43104102)_(43104281_?)del

Gene: BRCA1 (BRCA1 DNA repair associated; minus strand). Cytogenetic location: 17q21.31.
Variant type: Deletion.
Identifiers: ClinVar variation 832234 (VCV000832234.3).

ClinVar aggregate classification (germline): Pathogenic (1 of 4 stars; one submission).

Conditions:
Hereditary breast ovarian cancer syndrome. Also called: Hereditary breast and/or ovarian cancer syndrome; Hereditary breast and ovarian cancer syndrome (HBOC); Breast and ovarian cancer; Hereditary breast and ovarian cancer; BRCA1- and BRCA2-Associated Hereditary Breast and Ovarian Cancer; Hereditary breast and ovarian cancer syndrome. Identifiers: Orphanet 145, MedGen C0677776, MeSH D061325, MONDO:0003582. Disease mechanism: loss of function.

Submission:

Labcorp Genetics (formerly Invitae), Labcorp
Classification: Pathogenic for Hereditary breast ovarian cancer syndrome. Last evaluated: 2019-05-12. Review status: criteria provided, single submitter. Criteria: Invitae Variant Classification Sherloc (09022015). Collection method: clinical testing. Allele origin: germline.
Comment: This variant is an out-of-frame deletion of the genomic region encompassing exon 6 of the BRCA1 gene. This is expected to create a premature translational stop signal and result in an absent or disrupted protein product. A similar deletion of exon 6 has not been reported in the literature in individuals with BRCA1-related conditions. Loss-of-function variants in BRCA1 are known to be pathogenic (PMID: 20104584). For these reasons, this variant has been classified as Pathogenic.

Literature cited by the submitters: PubMed 20104584.